The following is an entry in ClinVar:

NM_001267550.2(TTN):c.67555_67557delinsGCACAC (p.Tyr22519delinsAlaHis)

Genes: TTN (titin; minus strand), TTN-AS1 (TTN antisense RNA 1; plus strand), LOC126806423 (CDK7 strongly-dependent group 2 enhancer GRCh37_chr2:179443309-179444508; plus strand). Cytogenetic location: 2q31.2.
Variant type: Indel.
Coding change: c.67555_67557delinsGCACAC on transcript NM_001267550.2 (MANE Select); coding-DNA positions 67555 to 67557, TAT replaced by GCACAC.
Protein change: p.Tyr22519delinsAlaHis.
Molecular consequence: inframe indel.
Genome position (GRCh38, 1-based): chr2:178,579,640-178,579,642, ATA replaced by GTGTGC on the plus strand (TAT replaced by GCACAC on the coding strand, the reverse complement: TTN is on the minus strand). VCF-style: chr2-178579640-ATA-GTGTGC. GRCh37 (hg19) VCF-style: chr2-179444367-ATA-GTGTGC.
Other names: p.Tyr20878delinsAlaHis; c.62632_62634delinsGCACAC, p.Tyr20878delinsAlaHis (NM_001256850.1); c.40360_40362delinsGCACAC, p.Tyr13454delinsAlaHis (NM_003319.4); c.59851_59853delinsGCACAC, p.Tyr19951delinsAlaHis (NM_133378.4); c.40735_40737delinsGCACAC, p.Tyr13579delinsAlaHis (NM_133432.3); c.40936_40938delinsGCACAC, p.Tyr13646delinsAlaHis (NM_133437.4).
Identifiers: ClinVar variation 4540726 (VCV004540726.1).

ClinVar aggregate classification (germline): Uncertain significance (1 of 4 stars; one submission).

Submission:

Mayo Clinic Laboratories, Mayo Clinic
Classification: Uncertain significance. Last evaluated: 2025-01-29. Review status: criteria provided, single submitter. Criteria: ACMG Guidelines, 2015. Collection method: clinical testing. Allele origin: germline. Observed: 1 variant allele.
Comment: PM2_supporting, PM4